The following is an entry in ClinVar:

ClinVar aggregate classification (germline): Uncertain significance. Review status: criteria provided, multiple submitters, no conflicts (2 of 4 stars). 2 submissions from 2 submitters: Uncertain significance (2). Last evaluated 2024-08-28.

Conditions:
Loeys-Dietz syndrome 2 (LDS2). Also called: Marfan syndrome, type 2 (formerly); TGFBR2-Related Loeys-Dietz Syndrome; AORTIC ANEURYSM, FAMILIAL THORACIC 3; MARFAN SYNDROME, TYPE II; Marfan Syndrome type 2; Marfan like connective tissue disorder. Identifiers: Orphanet 284973, Orphanet 558, MedGen C2674574, MONDO:0012427, OMIM 610168.

Allele frequency attached by ClinVar (database versions not stated): TOPMed below 0.00001; gnomAD exomes 0.00001.
gnomAD v4.1: 17 of 1,614,170 alleles (0.0011%); highest among the groups gnomAD compares: Non-Finnish European, 0.0014%; no homozygotes.

Submissions (2):

Labcorp Genetics (formerly Invitae), Labcorp
Classification: Uncertain significance for Loeys-Dietz syndrome 2. Last evaluated: 2024-08-28. Review status: criteria provided, single submitter. Criteria: Invitae Variant Classification Sherloc (09022015). Collection method: clinical testing. Allele origin: germline.
Comment: This sequence change replaces valine, which is neutral and non-polar, with alanine, which is neutral and non-polar, at codon 197 of the TMPO protein (p.Val197Ala). This variant is present in population databases (no rsID available, gnomAD 0.0009%). This variant has not been reported in the literature in individuals affected with TMPO-related conditions. ClinVar contains an entry for this variant (Variation ID: 2625258). Invitae Evidence Modeling of protein sequence and biophysical properties (such as structural, functional, and spatial information, amino acid conservation, physicochemical variation, residue mobility, and thermodynamic stability) indicates that this missense variant is not expected to disrupt TMPO protein function with a negative predictive value of 80%. In summary, the available evidence is currently insufficient to determine the role of this variant in disease. Therefore, it has been classified as a Variant of Uncertain Significance.

Ambry Genetics
Classification: Uncertain significance. Last evaluated: 2023-09-06. Review status: criteria provided, single submitter. Criteria: Ambry Variant Classification Scheme 2023. Collection method: clinical testing. Allele origin: germline.
Comment: The p.V197A variant (also known as c.590T>C), located in coding exon 4 of the TMPO gene, results from a T to C substitution at nucleotide position 590. The valine at codon 197 is replaced by alanine, an amino acid with similar properties. This amino acid position is conserved. In addition, this alteration is predicted to be tolerated by in silico analysis. Since supporting evidence is limited at this time, the clinical significance of this alteration remains unclear.

NM_001032283.3(TMPO):c.565+1009T>C

Gene: TMPO (thymopoietin; plus strand). Cytogenetic location: 12q23.1.
Variant type: single nucleotide variant.
Coding change: c.565+1009T>C on transcript NM_001032283.3 (MANE Select); 1009 bases into the intron after coding-DNA position 565, T replaced by C.
Molecular consequence: intron variant. On other transcripts: missense variant (1).
Genome position (GRCh38, 1-based): chr12:98,532,847, T>C. VCF-style: chr12-98532847-T-C. GRCh37 (hg19) VCF-style: chr12-98926625-T-C.
Other names: c.590T>C, p.Val197Ala (NM_003276.2); c.565+1009T>C (NM_001307975.2, NM_001032284.3); short protein forms V197A.
Identifiers: ClinVar variation 2625258 (VCV002625258.4), dbSNP rs1014307018, ClinGen allele CA242224197.